The following is an entry in ClinVar:

ClinVar aggregate classification (germline): Uncertain significance (1 of 4 stars; one submission).

Conditions:
Singleton-Merten syndrome 1 (SGMRT1). Also called: Widened medullary cavities of bone, aortic calcification, abnormal dentition, and muscular weakness; Syndrome of widened medullary cavities of the metacarpals and phalanges, aortic calcification and abnormal dentition. Identifiers: Orphanet 85191, MedGen C4225427, MONDO:0024535, OMIM 182250.
Aicardi-Goutieres syndrome 7 (AGS7). Identifiers: Orphanet 51, MedGen C3888244, MONDO:0014367, OMIM 615846.

Allele frequency attached by ClinVar (database versions not stated): gnomAD exomes below 0.00001; gnomAD 0.00001.
gnomAD v4.1: 3 of 1,612,700 alleles (0.00019%); highest among the groups gnomAD compares: South Asian, 0.0022%; no homozygotes.

Submission:

Labcorp Genetics (formerly Invitae), Labcorp
Classification: Uncertain significance for Aicardi-Goutieres syndrome 7; Singleton-Merten syndrome 1. Last evaluated: 2024-07-06. Review status: criteria provided, single submitter. Criteria: Invitae Variant Classification Sherloc (09022015). Collection method: clinical testing. Allele origin: germline.
Comment: This sequence change replaces lysine, which is basic and polar, with arginine, which is basic and polar, at codon 344 of the IFIH1 protein (p.Lys344Arg). This variant is not present in population databases (gnomAD no frequency). This variant has not been reported in the literature in individuals affected with IFIH1-related conditions. ClinVar contains an entry for this variant (Variation ID: 1019411). Algorithms developed to predict the effect of missense changes on protein structure and function output the following: SIFT: "Not Available"; PolyPhen-2: "Benign"; Align-GVGD: "Not Available". The arginine amino acid residue is found in multiple mammalian species, which suggests that this missense change does not adversely affect protein function. In summary, the available evidence is currently insufficient to determine the role of this variant in disease. Therefore, it has been classified as a Variant of Uncertain Significance.

NM_022168.4(IFIH1):c.1031A>G (p.Lys344Arg)

Gene: IFIH1 (interferon induced with helicase C domain 1; minus strand). Cytogenetic location: 2q24.2.
Variant type: single nucleotide variant.
Coding change: c.1031A>G on transcript NM_022168.4 (MANE Select); coding-DNA position 1031, A replaced by G.
Protein change: p.Lys344Arg; replaces lysine 344 with arginine.
Molecular consequence: missense variant.
Genome position (GRCh38, 1-based): chr2:162,288,199, T>C on the plus strand (A>G on the coding strand, the complement: IFIH1 is on the minus strand). VCF-style: chr2-162288199-T-C. GRCh37 (hg19) VCF-style: chr2-163144709-T-C.
Other names: short protein forms K344R.
Identifiers: ClinVar variation 1019411 (VCV001019411.8), dbSNP rs1682930814, ClinGen allele CA349004662.